The following is an entry in ClinVar:

NM_033087.4(ALG2):c.144G>A (p.Lys48=)

Gene: ALG2 (ALG2 alpha-1,3/1,6-mannosyltransferase; minus strand). Cytogenetic location: 9q22.33.
Variant type: single nucleotide variant.
Coding change: c.144G>A on transcript NM_033087.4 (MANE Select); coding-DNA position 144, G replaced by A.
Protein change: p.Lys48=; no amino-acid change (lysine 48 retained).
Molecular consequence: synonymous variant. On other transcripts: non-coding transcript variant (1).
Genome position (GRCh38, 1-based): chr9:99,221,751, C>T on the plus strand (G>A on the coding strand, the complement: ALG2 is on the minus strand). VCF-style: chr9-99221751-C-T. GRCh37 (hg19) VCF-style: chr9-101984033-C-T.
Other names: c.144G>A (NM_033087.3).
Identifiers: ClinVar variation 2124032 (VCV002124032.6), dbSNP rs767971393, ClinGen allele CA5156472.

ClinVar aggregate classification (germline): Likely benign. Review status: criteria provided, single submitter (1 of 4 stars). 2 submissions from 2 submitters: Likely benign (1). 1 of the submissions does not count toward it. Last evaluated 2022-04-12.

Conditions:
Congenital disorder of glycosylation, type Ii. Also called: ALG2-congenital disorder of glycosylation; CDG Ii; ALG2-CDG. Identifiers: Orphanet 79326, MedGen C1842836, MONDO:0011933, OMIM 607906.
Congenital myasthenic syndrome 14. Also called: Myasthenic syndrome, congenital, 14, with tubular aggregates. Identifiers: Orphanet 353327, Orphanet 590, MedGen C4015597, MONDO:0014543, OMIM 616228.
ALG2-related disorder. Also called: ALG2-related condition.

Allele frequency attached by ClinVar (database versions not stated): gnomAD 0.00001; TOPMed 0.00001.

Submissions (2):

Labcorp Genetics (formerly Invitae), Labcorp
Classification: Likely benign for Congenital disorder of glycosylation, type Ii; Congenital myasthenic syndrome 14. Last evaluated: 2022-04-12. Review status: criteria provided, single submitter. Criteria: Invitae Variant Classification Sherloc (09022015). Collection method: clinical testing. Allele origin: germline.

PreventionGenetics, part of Exact Sciences
Classification: Likely benign for ALG2-related condition. Last evaluated: 2021-12-28. Review status: no assertion criteria provided. Collection method: clinical testing. Allele origin: germline. Not counted in ClinVar's aggregate classification.
Comment: This variant is classified as likely benign based on ACMG/AMP sequence variant interpretation guidelines (Richards et al. 2015 PMID: 25741868, with internal and published modifications).